The following is an entry in ClinVar:

ClinVar aggregate classification (germline): Uncertain significance. Review status: criteria provided, multiple submitters, no conflicts (2 of 4 stars). 5 submissions from 3 submitters: Uncertain significance (5). Last evaluated 2025-12-15.

Conditions:
Thrombophilia due to thrombin defect (THPH1). Also called: Thrombosis susceptibility; THROMBOPHILIA DUE TO FACTOR 2 DEFECT; Prothrombin-Related Thrombophilia (Factor II); Prothrombin Thrombophilia. Identifiers: MedGen C3160733, MONDO:0008559, OMIM 188050. Disease mechanism: gain of function, loss of function.
Inborn genetic diseases. Identifiers: MedGen C0950123, MeSH D030342.
Factor V deficiency. Also called: Reduced coagulation factor V activity. Identifiers: Orphanet 326, MedGen C4317320, MONDO:0020586, HP:0003225.
Congenital factor V deficiency. Also called: Hereditary factor V deficiency disease; LABILE FACTOR DEFICIENCY; PARAHEMOPHILIA; OWREN PARAHEMOPHILIA. Identifiers: Orphanet 326, MedGen C0015499, MONDO:0009210, OMIM 227400.
Budd-Chiari syndrome (BDCHS). Also called: Hepatic vein obstruction. Identifiers: Orphanet 131, MedGen C0856761, MONDO:0010947, OMIM 600880, HP:0002639.

Allele frequency attached by ClinVar (database versions not stated): ExAC 0.00002; gnomAD 0.00002 and 0.00004; gnomAD exomes 0.00003; TOPMed 0.00004.

Submissions (5):

Labcorp Genetics (formerly Invitae), Labcorp
Classification: Uncertain significance for Congenital factor V deficiency. Last evaluated: 2025-12-15. Review status: criteria provided, single submitter. Criteria: Invitae Variant Classification Sherloc (09022015). Collection method: clinical testing. Allele origin: germline.
Comment: This sequence change replaces isoleucine, which is neutral and non-polar, with valine, which is neutral and non-polar, at codon 542 of the F5 protein (p.Ile542Val). This variant is present in population databases (rs776949074, gnomAD 0.009%). This variant has not been reported in the literature in individuals affected with F5-related conditions. ClinVar contains an entry for this variant (Variation ID: 293626). Invitae Evidence Modeling of protein sequence and biophysical properties (such as structural, functional, and spatial information, amino acid conservation, physicochemical variation, residue mobility, and thermodynamic stability) has been performed for this missense variant. However, the output from this modeling did not meet the statistical confidence thresholds required to predict the impact of this variant on F5 protein function. In summary, the available evidence is currently insufficient to determine the role of this variant in disease. Therefore, it has been classified as a Variant of Uncertain Significance.

Ambry Genetics
Classification: Uncertain significance for Inborn genetic diseases. Last evaluated: 2023-08-10. Review status: criteria provided, single submitter. Criteria: Ambry Variant Classification Scheme 2023. Collection method: clinical testing. Allele origin: germline.

Illumina Laboratory Services, Illumina
Classification: Uncertain significance for Congenital factor V deficiency. Last evaluated: 2018-01-13. Review status: criteria provided, single submitter. Criteria: ICSL Variant Classification Criteria 13 December 2019. Collection method: clinical testing. Allele origin: germline.

Illumina Laboratory Services, Illumina
Classification: Uncertain significance for Venous thrombosis. Last evaluated: 2018-01-13. Review status: criteria provided, single submitter. Criteria: ICSL Variant Classification Criteria 13 December 2019. Collection method: clinical testing. Allele origin: germline.

Illumina Laboratory Services, Illumina
Classification: Uncertain significance for Budd-Chiari syndrome. Last evaluated: 2018-01-13. Review status: criteria provided, single submitter. Criteria: ICSL Variant Classification Criteria 13 December 2019. Collection method: clinical testing. Allele origin: germline.

NM_000130.5(F5):c.1624A>G (p.Ile542Val)

Gene: F5 (coagulation factor V; minus strand). Cytogenetic location: 1q24.2.
Variant type: single nucleotide variant.
Coding change: c.1624A>G on transcript NM_000130.5 (MANE Select); coding-DNA position 1624, A replaced by G.
Protein change: p.Ile542Val; replaces isoleucine 542 with valine.
Molecular consequence: missense variant.
Genome position (GRCh38, 1-based): chr1:169,546,580, T>C on the plus strand (A>G on the coding strand, the complement: F5 is on the minus strand). VCF-style: chr1-169546580-T-C. GRCh37 (hg19) VCF-style: chr1-169515818-T-C.
Other names: short protein forms I542V.
Identifiers: ClinVar variation 293626 (VCV000293626.8), dbSNP rs776949074, ClinGen allele CA1234273.